The following is an entry in ClinVar:

NM_182961.4(SYNE1):c.20068-20G>A

Gene: SYNE1 (spectrin repeat containing nuclear envelope protein 1; minus strand). Cytogenetic location: 6q25.2.
Variant type: single nucleotide variant.
Coding change: c.20068-20G>A on transcript NM_182961.4 (MANE Select); 20 bases into the intron before coding-DNA position 20068, G replaced by A.
Molecular consequence: intron variant.
Genome position (GRCh38, 1-based): chr6:152,236,968, C>T on the plus strand (G>A on the coding strand, the complement: SYNE1 is on the minus strand). VCF-style: chr6-152236968-C-T. GRCh37 (hg19) VCF-style: chr6-152558103-C-T.
Other names: c.19855-20G>A (NM_033071.5).
Identifiers: ClinVar variation 383358 (VCV000383358.8), dbSNP rs769554267, ClinGen allele CA4054502.

ClinVar aggregate classification (germline): Likely benign. Review status: criteria provided, multiple submitters, no conflicts (2 of 4 stars). 2 submissions from 2 submitters: Likely benign (2). Last evaluated 2025-02-20.

Conditions:
Emery-Dreifuss muscular dystrophy 4, autosomal dominant (EDMD4). Also called: EMERY-DREIFUSS MUSCULAR DYSTROPHY 4 WITH VARIABLE FEATURES. Identifiers: Orphanet 261, MedGen C2751807, MONDO:0013071, OMIM 612998.
Autosomal recessive ataxia, Beauce type. Also called: ATAXIA, RECESSIVE, OF BEAUCE; SYNE1-Related Autosomal Recessive Cerebellar Ataxia; Spinocerebellar ataxia, autosomal recessive 8; SYNE1 Deficiency. Identifiers: Orphanet 88644, MedGen C1853116, MONDO:0012549, OMIM 610743.

Allele frequency attached by ClinVar (database versions not stated): gnomAD 0.00001; gnomAD exomes 0.00003 and 0.00013; TOPMed 0.00007; ExAC 0.00009.
gnomAD v4.1: 41 of 1,607,424 alleles (0.0026%); highest among the groups gnomAD compares: Admixed American, 0.071%; no homozygotes.

Submissions (2):

Labcorp Genetics (formerly Invitae), Labcorp
Classification: Likely benign for Emery-Dreifuss muscular dystrophy 4, autosomal dominant; Autosomal recessive ataxia, Beauce type. Last evaluated: 2025-02-20. Review status: criteria provided, single submitter. Criteria: Invitae Variant Classification Sherloc (09022015). Collection method: clinical testing. Allele origin: germline.

GeneDx
Classification: Likely benign. Last evaluated: 2016-02-26. Review status: criteria provided, single submitter. Criteria: GeneDx Variant Classification (06012015). Collection method: clinical testing. Allele origin: germline. Affected: yes.
Comment: This variant is considered likely benign or benign based on one or more of the following criteria: it is a conservative change, it occurs at a poorly conserved position in the protein, it is predicted to be benign by multiple in silico algorithms, and/or has population frequency not consistent with disease.